The following is an entry in ClinVar:

ClinVar aggregate classification (germline): Uncertain significance. Review status: criteria provided, multiple submitters, no conflicts (2 of 4 stars). 3 submissions from 3 submitters: Uncertain significance (3). Last evaluated 2025-11-05.

Conditions:
Hereditary cancer-predisposing syndrome. Also called: Tumor predisposition; Hereditary neoplastic syndrome; Neoplastic Syndromes, Hereditary; Hereditary Cancer Syndrome. Identifiers: Orphanet 140162, MedGen C0027672, MeSH D009386, MONDO:0015356.

Allele frequency attached by ClinVar (database versions not stated): gnomAD exomes below 0.00001 and 0.00001; gnomAD 0.00001; TOPMed 0.00001.
gnomAD v4.1: 11 of 1,596,452 alleles (0.00069%); highest among the groups gnomAD compares: African/African-American, 0.0013%; no homozygotes.

Submissions (3):

Labcorp Genetics (formerly Invitae), Labcorp
Classification: Uncertain significance. Last evaluated: 2025-11-05. Review status: criteria provided, single submitter. Criteria: Invitae Variant Classification Sherloc (09022015). Collection method: clinical testing. Allele origin: germline.
Comment: This sequence change replaces arginine, which is basic and polar, with histidine, which is basic and polar, at codon 1675 of the POLE protein (p.Arg1675His). The frequency data for this variant in the population databases is considered unreliable, as metrics indicate poor data quality at this position in the gnomAD database. This variant has not been reported in the literature in individuals affected with POLE-related conditions. ClinVar contains an entry for this variant (Variation ID: 861908). Invitae Evidence Modeling of protein sequence and biophysical properties (such as structural, functional, and spatial information, amino acid conservation, physicochemical variation, residue mobility, and thermodynamic stability) indicates that this missense variant is expected to disrupt POLE protein function with a positive predictive value of 80%. In summary, the available evidence is currently insufficient to determine the role of this variant in disease. Therefore, it has been classified as a Variant of Uncertain Significance.

Ambry Genetics
Classification: Uncertain significance for Hereditary cancer-predisposing syndrome. Last evaluated: 2025-03-27. Review status: criteria provided, single submitter. Criteria: Ambry Variant Classification Scheme 2023. Collection method: clinical testing. Allele origin: germline.
Comment: The p.R1675H variant (also known as c.5024G>A), located in coding exon 38 of the POLE gene, results from a G to A substitution at nucleotide position 5024. The arginine at codon 1675 is replaced by histidine, an amino acid with highly similar properties. This amino acid position is highly conserved in available vertebrate species. In addition, this alteration is predicted to be deleterious by in silico analysis. Based on the available evidence, the clinical significance of this variant remains unclear.

Mayo Clinic Laboratories, Mayo Clinic
Classification: Uncertain significance. Last evaluated: 2025-01-23. Review status: criteria provided, single submitter. Criteria: ACMG Guidelines, 2015. Collection method: clinical testing. Allele origin: germline. Observed: 1 variant allele.
Comment: PP3, PM2_supporting

NM_006231.4(POLE):c.5024G>A (p.Arg1675His)

Gene: POLE (DNA polymerase epsilon, catalytic subunit; minus strand). Cytogenetic location: 12q24.33.
Variant type: single nucleotide variant.
Coding change: c.5024G>A on transcript NM_006231.4 (MANE Select); coding-DNA position 5024, G replaced by A.
Protein change: p.Arg1675His; replaces arginine 1675 with histidine.
Molecular consequence: missense variant.
Genome position (GRCh38, 1-based): chr12:132,642,326, C>T on the plus strand (G>A on the coding strand, the complement: POLE is on the minus strand). VCF-style: chr12-132642326-C-T. GRCh37 (hg19) VCF-style: chr12-133218912-C-T.
Other names: p.Arg1675His; short protein forms R1675H.
Identifiers: ClinVar variation 861908 (VCV000861908.12), dbSNP rs1011938171, ClinGen allele CA246303323.
Genomic context (GRCh38, chr12:132,642,326, plus strand): 5'-CCCAGGTCAGGGCGGGCTGTAGGGGACAGCCAGAGCAGGTGGTTGTGGCGCTGGAGGTGG[C>T]GGGCAAAGAAGAGGTCGGAGCCGAATGTGGAGATGTCCTCTGGTAGGTTCCCAATGGGAA-3'
Protein context (NP_006222.2, residues 1665-1685): STFGSDLFFA[Arg1675His]HLQRHNHLLW